The following is an entry in ClinVar:

NM_001003694.2(BRPF1):c.2781dup (p.Ser928fs)

Gene: BRPF1 (bromodomain and PHD finger containing 1; plus strand). Cytogenetic location: 3p25.3.
Variant type: Duplication.
Coding change: c.2781dup on transcript NM_001003694.2 (MANE Select); coding-DNA position 2781, one base duplicated (C; older notation c.2781dupC).
Protein change: p.Ser928fs; shifts the reading frame from serine 928.
Molecular consequence: frameshift variant. On other transcripts: non-coding transcript variant (1), intron variant (4).
Genome position (GRCh38, 1-based): chr3:9,744,369, C duplicated; the last of 5 consecutive C bases (chr3:9,744,365-9,744,369); duplicating any one gives the same sequence. VCF-style (leftmost placement, unchanged base first): chr3-9744364-A-AC. GRCh37 (hg19) VCF-style: chr3-9786048-A-AC.
Other names: c.2760dup, p.Ser921fs (NM_001319050.2, NM_001438342.1, NM_001438343.1); c.2778dup, p.Ser927fs (NM_001410704.1); c.2763dup, p.Ser922fs (NM_001437892.1, NM_004634.3); c.2635+468dup (NM_001438344.1); c.2632+468dup (NM_001438345.1); c.2617+468dup (NM_001319049.2); c.2614+468dup (NM_001438346.1); short protein forms S921fs, S927fs, S928fs, S922fs.
Identifiers: ClinVar variation 4216327 (VCV004216327.1).

ClinVar aggregate classification (germline): Pathogenic (1 of 4 stars; one submission).

Conditions:
Inborn genetic diseases. Identifiers: MedGen C0950123, MeSH D030342.

Submission:

Ambry Genetics
Classification: Pathogenic for Inborn genetic diseases. Last evaluated: 2025-07-10. Review status: criteria provided, single submitter. Criteria: Ambry Variant Classification Scheme 2023. Collection method: clinical testing. Allele origin: germline.
Comment: The c.2781dupC (p.S928Qfs*25) alteration, located in exon 9 (coding exon 8) of the BRPF1 gene, consists of a duplication of C at position 2781, causing a translational frameshift with a predicted alternate stop codon after 25 amino acids. This alteration is expected to result in loss of function by premature protein truncation or nonsense-mediated mRNA decay. This variant was not reported in population-based cohorts in the Genome Aggregation Database (gnomAD). Based on the available evidence, this alteration is classified as pathogenic.